The following is an entry in ClinVar:

ClinVar aggregate classification (germline): Benign/Likely benign. Review status: criteria provided, multiple submitters, no conflicts (2 of 4 stars). 14 submissions from 14 submitters: Benign (3); Likely benign (6). 5 of the submissions do not count toward it. Last evaluated 2026-07-01.

Conditions:
PRDM16-related disorder. Also called: PRDM16-related condition.
Left ventricular noncompaction 8 (LVNC8). Identifiers: Orphanet 154, Orphanet 54260, MedGen C3809288, MONDO:0014152, OMIM 615373.

Allele frequency attached by ClinVar (database versions not stated): 1000 Genomes Project 0.00120; ESP Exome Variant Server 0.00137; gnomAD 0.00160 and 0.00163; TOPMed 0.00167; gnomAD exomes 0.00202 and 0.00213; 1000 Genomes Project 30x 0.00203; ExAC 0.00441.
gnomAD v4.1: 3,199 of 1,548,246 alleles (0.21%); highest among the groups gnomAD compares: South Asian, 0.25%; 11 homozygotes.

Submissions (14):

CeGaT Center for Human Genetics Tuebingen
Classification: Benign. Last evaluated: 2026-07-01. Review status: criteria provided, single submitter. Criteria: CeGaT Center For Human Genetics Tuebingen Variant Classification Criteria Version 2. Collection method: clinical testing. Allele origin: germline. Affected: yes. Observed: 5 variant alleles.
Comment: PRDM16: BS1, BS2

Labcorp Genetics (formerly Invitae), Labcorp
Classification: Benign for Left ventricular noncompaction 8. Last evaluated: 2026-01-28. Review status: criteria provided, single submitter. Criteria: Invitae Variant Classification Sherloc (09022015). Collection method: clinical testing. Allele origin: germline.

Mayo Clinic Laboratories, Mayo Clinic
Classification: Likely benign. Last evaluated: 2025-10-09. Review status: criteria provided, single submitter. Criteria: ACMG Guidelines, 2015. Collection method: clinical testing. Allele origin: germline. Observed: 6 variant alleles.
Comment: BS1, BP4

ARUP Laboratories, Molecular Genetics and Genomics, ARUP Laboratories
Classification: Likely benign. Last evaluated: 2025-05-02. Review status: criteria provided, single submitter. Criteria: ARUP Molecular Germline Variant Investigation Process 2024. Collection method: clinical testing. Allele origin: germline.

Blueprint Genetics
Classification: Likely benign. Last evaluated: 2024-11-25. Review status: criteria provided, single submitter. Criteria: ACMG Guidelines, 2015. Collection method: clinical testing. Allele origin: germline.

Women's Health and Genetics/Laboratory Corporation of America, LabCorp
Classification: Likely benign. Last evaluated: 2023-07-30. Review status: criteria provided, single submitter. Criteria: LabCorp Variant Classification Summary - May 2015. Collection method: clinical testing. Allele origin: germline.

GeneDx
Classification: Likely benign. Last evaluated: 2021-05-19. Review status: criteria provided, single submitter. Criteria: GeneDx Variant Classification Process June 2021. Collection method: clinical testing. Allele origin: germline. Affected: yes.
Comment: This variant is associated with the following publications: (PMID: 28642161, 30847666)

Laboratory for Molecular Medicine, Mass General Brigham Personalized Medicine
Classification: Benign. Last evaluated: 2017-10-12. Review status: criteria provided, single submitter. Criteria: LMM Criteria. Collection method: clinical testing. Allele origin: germline. Observed: 1 variant allele.
Comment: p.Gly818Ser in exon 9 of PRDM16: This variant is not expected to have clinical s ignificance because it has been identified in 0.3% (21/6980) of Ashkenazi Jewish chromosomes by the Genome Aggregation Database (gnomAD; dbSNP rs201904226). ACMG/AMP Criteria applied: BA1 (Richards 2015).

Breakthrough Genomics
Classification: Likely benign. Review status: criteria provided, single submitter. Criteria: ACMG Guidelines, 2015. Collection method: not provided. Allele origin: germline. Inheritance: Autosomal dominant inheritance. Affected: yes.

PreventionGenetics, part of Exact Sciences
Classification: Likely benign for PRDM16-related condition. Last evaluated: 2019-11-05. Review status: no assertion criteria provided. Collection method: clinical testing. Allele origin: germline. Not counted in ClinVar's aggregate classification.
Comment: This variant is classified as likely benign based on ACMG/AMP sequence variant interpretation guidelines (Richards et al. 2015 PMID: 25741868, with internal and published modifications).

Clinical Genetics DNA and cytogenetics Diagnostics Lab, Erasmus MC, Erasmus Medical Center
Classification: Likely benign. Review status: no assertion criteria provided. Collection method: clinical testing. Allele origin: germline. Affected: yes. Study: VKGL Data-share Consensus. Not counted in ClinVar's aggregate classification.

Clinical Genetics, Academic Medical Center
Classification: Benign. Review status: no assertion criteria provided. Collection method: clinical testing. Allele origin: germline. Affected: yes. Study: VKGL Data-share Consensus. Not counted in ClinVar's aggregate classification.

Diagnostic Laboratory, Department of Genetics, University Medical Center Groningen
Classification: Likely benign. Review status: no assertion criteria provided. Collection method: clinical testing. Allele origin: germline. Affected: yes. Study: VKGL Data-share Consensus. Not counted in ClinVar's aggregate classification.

Joint Genome Diagnostic Labs from Nijmegen and Maastricht, Radboudumc and MUMC+
Classification: Benign. Review status: no assertion criteria provided. Collection method: clinical testing. Allele origin: germline. Affected: yes. Study: VKGL Data-share Consensus. Not counted in ClinVar's aggregate classification.

Literature cited by the submitters: PubMed 28642161 (cited by Mayo Clinic Laboratories, Mayo Clinic); PubMed 30847666 (cited by Mayo Clinic Laboratories, Mayo Clinic).

NM_022114.4(PRDM16):c.2452G>A (p.Gly818Ser)

Gene: PRDM16 (PR/SET domain 16; plus strand). Cytogenetic location: 1p36.32.
Variant type: single nucleotide variant.
Coding change: c.2452G>A on transcript NM_022114.4 (MANE Select); coding-DNA position 2452, G replaced by A.
Protein change: p.Gly818Ser; replaces glycine 818 with serine.
Molecular consequence: missense variant.
Genome position (GRCh38, 1-based): chr1:3,412,649, G>A. VCF-style: chr1-3412649-G-A. GRCh37 (hg19) VCF-style: chr1-3329213-G-A.
Other names: c.2452G>A, p.Gly818Ser (NM_199454.3); short protein forms G818S.
Identifiers: ClinVar variation 241426 (VCV000241426.54), dbSNP rs201904226, ClinGen allele CA544480.